The following is an entry in ClinVar:

NM_005732.4(RAD50):c.1725G>T (p.Gln575His)

Gene: RAD50 (RAD50 double strand break repair protein; plus strand). Cytogenetic location: 5q31.1.
Variant type: single nucleotide variant.
Coding change: c.1725G>T on transcript NM_005732.4 (MANE Select); coding-DNA position 1725, G replaced by T.
Protein change: p.Gln575His; replaces glutamine 575 with histidine.
Molecular consequence: missense variant.
Genome position (GRCh38, 1-based): chr5:132,591,966, G>T. VCF-style: chr5-132591966-G-T. GRCh37 (hg19) VCF-style: chr5-131927658-G-T.
Other names: short protein forms Q575H.
Identifiers: ClinVar variation 527366 (VCV000527366.9), dbSNP rs1554098482, ClinGen allele CA360946516.

ClinVar aggregate classification (germline): Uncertain significance (1 of 4 stars; one submission).

Conditions:
Hereditary cancer-predisposing syndrome. Also called: Neoplastic Syndromes, Hereditary; Tumor predisposition; Hereditary Cancer Syndrome; Hereditary neoplastic syndrome. Identifiers: Orphanet 140162, MedGen C0027672, MeSH D009386, MONDO:0015356.

Submission:

Labcorp Genetics (formerly Invitae), Labcorp
Classification: Uncertain significance for Hereditary cancer-predisposing syndrome. Last evaluated: 2017-08-23. Review status: criteria provided, single submitter. Criteria: Invitae Variant Classification Sherloc (09022015). Collection method: clinical testing. Allele origin: germline.
Comment: In summary, the available evidence is currently insufficient to determine the role of this variant in disease. Therefore, it has been classified as a Variant of Uncertain Significance. Algorithms developed to predict the effect of missense changes on protein structure and function do not agree on the potential impact of this missense change (SIFT: "Tolerated"; PolyPhen-2: "Possibly Damaging"; Align-GVGD: "Class C0"). This variant has not been reported in the literature in individuals with RAD50-related disease. This variant is not present in population databases (ExAC no frequency). This sequence change replaces glutamine with histidine at codon 575 of the RAD50 protein (p.Gln575His). The glutamine residue is moderately conserved and there is a small physicochemical difference between glutamine and histidine.